The following is an entry in ClinVar:

NM_017433.5(MYO3A):c.3440C>T (p.Ala1147Val)

Gene: MYO3A (myosin IIIA; plus strand). Cytogenetic location: 10p12.1.
Variant type: single nucleotide variant.
Coding change: c.3440C>T on transcript NM_017433.5 (MANE Select); coding-DNA position 3440, C replaced by T.
Protein change: p.Ala1147Val; replaces alanine 1147 with valine.
Molecular consequence: missense variant.
Genome position (GRCh38, 1-based): chr10:26,173,704, C>T. VCF-style: chr10-26173704-C-T. GRCh37 (hg19) VCF-style: chr10-26462633-C-T.
Other names: short protein forms A1147V.
Identifiers: ClinVar variation 4709339 (VCV004709339.1).

ClinVar aggregate classification (germline): Uncertain significance (1 of 4 stars; one submission).

gnomAD v4.1: 18 of 1,613,630 alleles (0.0011%); highest among the groups gnomAD compares: South Asian, 0.019%; no homozygotes.

Submission:

Labcorp Genetics (formerly Invitae), Labcorp
Classification: Uncertain significance. Last evaluated: 2025-05-02. Review status: criteria provided, single submitter. Criteria: Invitae Variant Classification Sherloc (09022015). Collection method: clinical testing. Allele origin: germline.
Comment: This sequence change replaces alanine, which is neutral and non-polar, with valine, which is neutral and non-polar, at codon 1147 of the MYO3A protein (p.Ala1147Val). This variant is present in population databases (rs751562651, gnomAD 0.02%). This variant has not been reported in the literature in individuals affected with MYO3A-related conditions. Invitae Evidence Modeling of protein sequence and biophysical properties (such as structural, functional, and spatial information, amino acid conservation, physicochemical variation, residue mobility, and thermodynamic stability) indicates that this missense variant is not expected to disrupt MYO3A protein function with a negative predictive value of 80%. In summary, the available evidence is currently insufficient to determine the role of this variant in disease. Therefore, it has been classified as a Variant of Uncertain Significance.